The following is an entry in ClinVar:

NM_007294.4(BRCA1):c.135-5T>C

Gene: BRCA1 (BRCA1 DNA repair associated; minus strand). Cytogenetic location: 17q21.31.
Variant type: single nucleotide variant.
Coding change: c.135-5T>C on transcript NM_007294.4 (MANE Select); 5 bases into the intron before coding-DNA position 135, T replaced by C.
Molecular consequence: intron variant.
Genome position (GRCh38, 1-based): chr17:43,106,538, A>G on the plus strand (T>C on the coding strand, the complement: BRCA1 is on the minus strand). VCF-style: chr17-43106538-A-G. GRCh37 (hg19) VCF-style: chr17-41258555-A-G.
Other names: c.-7-5T>C (NM_001408458.1, NM_001407931.1, NM_001407747.1 and 99 more transcripts); c.-218-11678T>C (NM_001407967.1, NM_001407966.1); c.-169-1582T>C (NM_001407959.1, NM_001407962.1, NM_001408512.1 and 4 more transcripts); c.-54-5T>C (NM_001407885.1, NM_001407886.1, NM_001407898.1 and 58 more transcripts); c.135-5T>C (NM_001407686.1, NM_001408397.1, NM_001407632.1 and 167 more transcripts); c.81-1582T>C (NM_001408451.1); c.135-1582T>C (NM_001408475.1, NM_001407875.1, NM_001407659.1 and 21 more transcripts).
Identifiers: ClinVar variation 141658 (VCV000141658.59), dbSNP rs587781916, ClinGen allele CA000901.
Genomic context (GRCh38, chr17:43,106,538, plus strand): 5'-ATAAAGGACACTGTGAAGGCCCTTTCTTCTGGTTGAGAAGTTTCAGCATGCAAAATCTAT[A>G]AATTATAAAGAAAGAAAGAACAATTTAATTTACTTCCTTTTGTAGAAAGAATACTCAAAA-3'

ClinVar aggregate classification (germline): Conflicting classifications of pathogenicity. Review status: criteria provided, conflicting classifications (1 of 4 stars). 7 submissions from 7 submitters: Uncertain significance (1); Likely benign (6). Last evaluated 2025-08-17.

Conditions:
Hereditary cancer. Identifiers: MedGen C1333600.
Hereditary cancer-predisposing syndrome. Also called: Tumor predisposition; Hereditary neoplastic syndrome; Hereditary Cancer Syndrome; Neoplastic Syndromes, Hereditary. Identifiers: Orphanet 140162, MedGen C0027672, MeSH D009386, MONDO:0015356.
Hereditary breast ovarian cancer syndrome. Also called: Hereditary breast and/or ovarian cancer syndrome; Breast and ovarian cancer; Hereditary breast and ovarian cancer syndrome; Hereditary breast and ovarian cancer; Hereditary breast and ovarian cancer syndrome (HBOC); BRCA1- and BRCA2-Associated Hereditary Breast and Ovarian Cancer. Identifiers: Orphanet 145, MedGen C0677776, MeSH D061325, MONDO:0003582. Disease mechanism: loss of function.

Submissions (8):

Labcorp Genetics (formerly Invitae), Labcorp
Classification: Likely benign for Hereditary breast ovarian cancer syndrome. Last evaluated: 2025-08-17. Review status: criteria provided, single submitter. Criteria: Invitae Variant Classification Sherloc (09022015). Collection method: clinical testing. Allele origin: germline.

Mendelics
Classification: Likely benign for Hereditary cancer. Last evaluated: 2025-02-27. Review status: criteria provided, single submitter. Criteria: ACMG Guidelines, 2015. Collection method: clinical testing. Allele origin: unknown.
Comment: This variant is considered likely benign or benign based on one or more of the following: it is predicted to be benign by multiple in silico algorithms, and/or has population frequency not consistent with disease, and/or has normal protein function, and/or has lack of segregation with disease, and/or has been detected in co-occurrence with known pathogenic variant, and/or has lack of disease association in case-control studies, and/or is located in a region inconsistent with a known cause of pathogenicity.

Institute for Biomarker Research, Medical Diagnostic Laboratories, L.L.C.
Classification: Likely benign for Hereditary breast ovarian cancer syndrome. Last evaluated: 2025-01-20. Review status: criteria provided, single submitter. Criteria: ACMG Guidelines, 2015. Collection method: clinical testing. Allele origin: germline.
Comment: The splice region variant NM_007294.4(BRCA1):c.135-5T>C has not been reported previously as a pathogenic variant, to our knowledge. The c.135-5T>C variant is novel (not in any individuals) in gnomAD. The c.135-5T>C variant is novel (not in any individuals) in 1kG. The c.135-5T>C variant is not predicted to disrupt the existing acceptor splice site 3bp upstream by any splice site algorithm. The c.135-5T>C variant results in a substitution of a base that is not predicted conserved by GERP++ and PhyloP. For these reasons, this variant has been classified as Likely Benign.

Color Diagnostics, LLC DBA Color Health
Classification: Likely benign for Hereditary cancer-predisposing syndrome. Last evaluated: 2024-02-20. Review status: criteria provided, single submitter. Criteria: ACMG Guidelines, 2015. Collection method: clinical testing. Allele origin: germline.

Ambry Genetics
Classification: Likely benign for Hereditary cancer-predisposing syndrome. Last evaluated: 2023-10-24. Review status: criteria provided, single submitter. Criteria: Ambry Variant Classification Scheme 2023. Collection method: clinical testing. Allele origin: germline.

Genetics Program, Instituto Nacional de Cancer
Classification: Likely benign for Hereditary breast ovarian cancer syndrome. Last evaluated: 2021-11-01. Review status: criteria provided, single submitter. Criteria: ACMG Guidelines, 2015. Collection method: research. Allele origin: germline. Affected: yes.

GeneDx
Classification: Uncertain significance. Last evaluated: 2016-02-16. Review status: criteria provided, single submitter. Criteria: GeneDx Variant Classification (06012015). Collection method: clinical testing. Allele origin: germline. Affected: yes.
Comment: This variant is denoted BRCA1 c.135-5T>C or IVS3-5T>C and consists of a T>C nucleotide substitution at the -5 position of intron 3 of the BRCA1 gene. Using alternate nomenclature, this variant would be defined as BRCA1 254-5T>C. This variant is not predicted to cause abnormal splicing; however, in the absence of RNA or functional studies, the actual effect of this variant is unknown. This variant has not, to our knowledge, been published in the literature as pathogenic or benign. BRCA1 c.135-5T>C was not observed in approximately 6,500 individuals of European and African American ancestry in the NHLBI Exome Sequencing Project, suggesting it is not a common benign variant in these populations. The thymine (T) nucleotide that is altered is conserved across species. Based on currently available information, it is unclear whether BRCA1 c.135-5T>C is pathogenic or benign. We consider it to be a variant of uncertain significance.

Brotman Baty Institute, University of Washington
No classification provided (evidence only). Condition: Breast-ovarian cancer, familial 1. Review status: no classification provided. Collection method: in vitro. Allele origin: not applicable. Functional consequence: functionally_normal. Not counted in ClinVar's aggregate classification.
ClinVar note: "not provided" was previously submitted as the classification for the variant. However, the classification appeared to be based only on an observation of functional data so it was converted to no classification on 2025-07-30.

Literature cited by the submitters: PubMed 30209399 (cited by Ambry Genetics and Genetics Program, Instituto Nacional de Cancer); PubMed 36329109 (cited by Genetics Program, Instituto Nacional de Cancer).